The following is an entry in ClinVar:

ClinVar aggregate classification (germline): Likely benign (1 of 4 stars; one submission).

Conditions:
Breast-ovarian cancer, familial, susceptibility to, 3. Also called: RAD51C-Related Breast/Ovarian Cancer. Identifiers: Orphanet 145, MedGen C3150659, MONDO:0013253, OMIM 613399.

Submission:

Myriad Genetics, Inc.
Classification: Likely benign for Breast-ovarian cancer, familial, susceptibility to, 3. Last evaluated: 2025-02-18. Review status: criteria provided, single submitter. Criteria: Myriad Autosomal Dominant, Autosomal Recessive and X-Linked Classification Criteria (2023). Collection method: clinical testing. Allele origin: unknown.
Comment: This variant is considered likely benign. This variant is intronic and is not expected to impact mRNA splicing.

NM_058216.3(RAD51C):c.405-19G>T

Gene: RAD51C (RAD51 paralog C; plus strand). Cytogenetic location: 17q22.
Variant type: single nucleotide variant.
Coding change: c.405-19G>T on transcript NM_058216.3 (MANE Select); 19 bases into the intron before coding-DNA position 405, G replaced by T.
Molecular consequence: intron variant.
Genome position (GRCh38, 1-based): chr17:58,696,674, G>T. VCF-style: chr17-58696674-G-T. GRCh37 (hg19) VCF-style: chr17-56774035-G-T.
Identifiers: ClinVar variation 3904335 (VCV003904335.1).